The following is an entry in ClinVar:

NM_001379291.1(BRD4):c.3175C>T (p.Leu1059Phe)

Gene: BRD4 (bromodomain containing 4; minus strand). Cytogenetic location: 19p13.12.
Variant type: single nucleotide variant.
Coding change: c.3175C>T on transcript NM_001379291.1 (MANE Select); coding-DNA position 3175, C replaced by T.
Protein change: p.Leu1059Phe; replaces leucine 1059 with phenylalanine.
Molecular consequence: missense variant.
Genome position (GRCh38, 1-based): chr19:15,240,017, G>A on the plus strand (C>T on the coding strand, the complement: BRD4 is on the minus strand). VCF-style: chr19-15240017-G-A. GRCh37 (hg19) VCF-style: chr19-15350828-G-A.
Other names: c.3175C>T, p.Leu1059Phe (NM_058243.3); short protein forms L1059F.
Identifiers: ClinVar variation 2751348 (VCV002751348.3), dbSNP rs930830089, ClinGen allele CA305782976.

ClinVar aggregate classification (germline): Uncertain significance (1 of 4 stars; one submission).

Allele frequency attached by ClinVar (database versions not stated): TOPMed 0.00001.

Submission:

Labcorp Genetics (formerly Invitae), Labcorp
Classification: Uncertain significance. Last evaluated: 2023-05-30. Review status: criteria provided, single submitter. Criteria: Invitae Variant Classification Sherloc (09022015). Collection method: clinical testing. Allele origin: germline.
Comment: In summary, the available evidence is currently insufficient to determine the role of this variant in disease. Therefore, it has been classified as a Variant of Uncertain Significance. An algorithm developed to predict the effect of missense changes on protein structure and function (PolyPhen-2) suggests that this variant is likely to be disruptive. This variant has not been reported in the literature in individuals affected with BRD4-related conditions. This variant is not present in population databases (gnomAD no frequency). This sequence change replaces leucine, which is neutral and non-polar, with phenylalanine, which is neutral and non-polar, at codon 1059 of the BRD4 protein (p.Leu1059Phe).